The following is an entry in ClinVar:

NM_032383.5(HPS3):c.2134G>T (p.Glu712Ter)

Gene: HPS3 (HPS3 biogenesis of lysosomal organelles complex 2 subunit 1; plus strand). Cytogenetic location: 3q24.
Variant type: single nucleotide variant.
Coding change: c.2134G>T on transcript NM_032383.5 (MANE Select); coding-DNA position 2134, G replaced by T.
Protein change: p.Glu712Ter; replaces glutamic acid 712 with a stop codon.
Molecular consequence: nonsense.
Genome position (GRCh38, 1-based): chr3:149,162,175, G>T. VCF-style: chr3-149162175-G-T. GRCh37 (hg19) VCF-style: chr3-148879962-G-T.
Other names: c.1639G>T, p.Glu547Ter (NM_001308258.2); short protein forms E547*, E712*.
Identifiers: ClinVar variation 2676111 (VCV002676111.2), dbSNP rs2473120100, ClinGen allele CA354923893.
Genomic context (GRCh38, chr3:149,162,175, plus strand): 5'-CCTTTTGTTCCTAAATTTCTTTCTTATCTGAAGATGAAGTTGGTATGTGGCTTCATTCTG[G>T]AACCTCGGCTGTTGATTCAACAGAGAAAGGGACAGATTGTTCCAACCGAGCTTGCACTTC-3'

ClinVar aggregate classification (germline): Pathogenic/Likely pathogenic. Review status: criteria provided, multiple submitters, no conflicts (2 of 4 stars). 2 submissions from 2 submitters: Pathogenic (1); Likely pathogenic (1). Last evaluated 2024-05-14.

Conditions:
Hermansky-Pudlak syndrome 3 (HPS3). Identifiers: Orphanet 231512, Orphanet 79430, MedGen C3888001, MONDO:0013555, OMIM 614072.

Submissions (2):

Myriad Genetics, Inc.
Classification: Pathogenic for Hermansky-Pudlak syndrome 3. Last evaluated: 2024-05-14. Review status: criteria provided, single submitter. Criteria: Myriad Autosomal Dominant, Autosomal Recessive and X-Linked Classification Criteria (2023). Collection method: clinical testing. Allele origin: unknown.
Comment: NM_032383.3(HPS3):c.2134G>T(E712*) is expected to be pathogenic in the context of Hermansky-Pudlak syndrome, HPS3-related. This variant is predicted to lead to an abnormal or absent protein product due to the creation of a premature termination codon in HPS3, a gene where loss-of-function variants are known to be pathogenic. Please note: this variant was assessed in the context of healthy population screening.

Baylor Genetics
Classification: Likely pathogenic for Hermansky-Pudlak syndrome 3. Last evaluated: 2022-03-19. Review status: criteria provided, single submitter. Criteria: ACMG Guidelines, 2015. Collection method: clinical testing. Allele origin: unknown.